The following is an entry in ClinVar:

ClinVar aggregate classification (germline): Uncertain significance (1 of 4 stars; one submission).

Conditions:
Syndromic multisystem autoimmune disease due to ITCH deficiency. Also called: AUTOIMMUNE DISEASE, MULTISYSTEM, WITH FACIAL DYSMORPHISM. Identifiers: Orphanet 228426, MedGen C3150649, MONDO:0013245, OMIM 613385.

Allele frequency attached by ClinVar (database versions not stated): gnomAD exomes below 0.00001; gnomAD 0.00001.
gnomAD v4.1: 2 of 1,611,698 alleles (0.00012%); highest among the groups gnomAD compares: Middle Eastern, 0.016%; no homozygotes.

Submission:

Labcorp Genetics (formerly Invitae), Labcorp
Classification: Uncertain significance for Syndromic multisystem autoimmune disease due to ITCH deficiency. Last evaluated: 2019-12-31. Review status: criteria provided, single submitter. Criteria: Invitae Variant Classification Sherloc (09022015). Collection method: clinical testing. Allele origin: germline.
Comment: In summary, the available evidence is currently insufficient to determine the role of this variant in disease. Therefore, it has been classified as a Variant of Uncertain Significance. Algorithms developed to predict the effect of missense changes on protein structure and function output the following: SIFT: "Tolerated"; PolyPhen-2: "Benign"; Align-GVGD: "Class C0". The asparagine amino acid residue is found in multiple mammalian species, suggesting that this missense change does not adversely affect protein function. These predictions have not been confirmed by published functional studies and their clinical significance is uncertain. This variant has not been reported in the literature in individuals with ITCH-related conditions. This variant is not present in population databases (ExAC no frequency). This sequence change replaces serine with asparagine at codon 390 of the ITCH protein (p.Ser390Asn). The serine residue is weakly conserved and there is a small physicochemical difference between serine and asparagine.

NM_031483.7(ITCH):c.1169G>A (p.Ser390Asn)

Gene: ITCH (itchy E3 ubiquitin protein ligase; plus strand). Cytogenetic location: 20q11.22.
Variant type: single nucleotide variant.
Coding change: c.1169G>A on transcript NM_031483.7 (MANE Select); coding-DNA position 1169, G replaced by A.
Protein change: p.Ser390Asn; replaces serine 390 with asparagine.
Molecular consequence: missense variant.
Genome position (GRCh38, 1-based): chr20:34,449,439, G>A. VCF-style: chr20-34449439-G-A. GRCh37 (hg19) VCF-style: chr20-33037244-G-A.
Other names: c.1292G>A, p.Ser431Asn (NM_001257137.3, NM_001324197.2); c.839G>A, p.Ser280Asn (NM_001257138.3); c.1169G>A, p.Ser390Asn (NM_001324198.2); short protein forms S280N, S390N, S431N.
Identifiers: ClinVar variation 834164 (VCV000834164.8), dbSNP rs1984913232, ClinGen allele CA408664595.